The following is an entry in ClinVar:

NM_002485.5(NBN):c.992C>T (p.Thr331Ile)

Gene: NBN (nibrin; minus strand). Cytogenetic location: 8q21.3.
Variant type: single nucleotide variant.
Coding change: c.992C>T on transcript NM_002485.5 (MANE Select); coding-DNA position 992, C replaced by T.
Protein change: p.Thr331Ile; replaces threonine 331 with isoleucine.
Molecular consequence: missense variant.
Genome position (GRCh38, 1-based): chr8:89,964,412, G>A on the plus strand (C>T on the coding strand, the complement: NBN is on the minus strand). VCF-style: chr8-89964412-G-A. GRCh37 (hg19) VCF-style: chr8-90976640-G-A.
Other names: c.746C>T, p.Thr249Ile (NM_001024688.3); short protein forms T249I, T331I.
Identifiers: ClinVar variation 1359162 (VCV001359162.8), dbSNP rs587782905, ClinGen allele CA4802841.

ClinVar aggregate classification (germline): Uncertain significance (1 of 4 stars; one submission).

Conditions:
Microcephaly, normal intelligence and immunodeficiency (NBS). Also called: IMMUNODEFICIENCY, MICROCEPHALY, AND CHROMOSOMAL INSTABILITY; Immunodeficiency, microcephaly with normal intelligence; SEEMANOVA SYNDROME II; Ataxia telangiectasia variant V1; Microcephaly with normal intelligence immunodeficiency and lymphoreticular malignancies; Nonsyndromal microcephaly autosomal recessive with normal intelligence. Identifiers: Orphanet 647, MedGen C0398791, MONDO:0009623, OMIM 251260.

Allele frequency attached by ClinVar (database versions not stated): ExAC 0.00001.

Submission:

Labcorp Genetics (formerly Invitae), Labcorp
Classification: Uncertain significance for Microcephaly, normal intelligence and immunodeficiency. Last evaluated: 2021-05-13. Review status: criteria provided, single submitter. Criteria: Invitae Variant Classification Sherloc (09022015). Collection method: clinical testing. Allele origin: germline.
Comment: In summary, the available evidence is currently insufficient to determine the role of this variant in disease. Therefore, it has been classified as a Variant of Uncertain Significance. Algorithms developed to predict the effect of missense changes on protein structure and function output the following: SIFT: "Tolerated"; PolyPhen-2: "Benign"; Align-GVGD: "Class C0". The isoleucine amino acid residue is found in multiple mammalian species, suggesting that this missense change does not adversely affect protein function. These predictions have not been confirmed by published functional studies and their clinical significance is uncertain. This variant has not been reported in the literature in individuals with NBN-related conditions. This variant is present in population databases (rs587782905, ExAC 0.001%). This sequence change replaces threonine with isoleucine at codon 331 of the NBN protein (p.Thr331Ile). The threonine residue is weakly conserved and there is a moderate physicochemical difference between threonine and isoleucine.